The following is an entry in ClinVar:

ClinVar aggregate classification (germline): VUS-high. Review status: criteria provided, single submitter (1 of 4 stars). 2 submissions from 2 submitters: VUS-high (1). 1 of the submissions does not count toward it. Last evaluated 2026-06-08.

Conditions:
Joubert syndrome 5 (JBTS5). Identifiers: Orphanet 2318, MedGen C1857780, MONDO:0012432, OMIM 610188.
CEP290-related disorder. Also called: CEP290-related condition; CEP290-related disorders. Identifiers: MedGen CN239314.

gnomAD v4.1: 1 of 1,569,134 alleles (0.000064%); highest among the groups gnomAD compares: South Asian, 0.0012%; no homozygotes.

Submissions (2):

Diagnostics Services (NGS), CSIR - Centre For Cellular And Molecular Biology
Classification: VUS-high for Joubert syndrome 5. Last evaluated: 2026-06-08. Review status: criteria provided, single submitter. Criteria: ACMG Guidelines, 2015. Collection method: clinical testing. Allele origin: unknown. Inheritance: Autosomal recessive inheritance. Affected: yes. Observed: 1 variant allele, 1 heterozygote.
Comment: The c.104T>G variant is not present in 1000 Genomes, ExAC, EVS, gnomAD, Indian Exome Database or our internal database. This variant has been previously observed in an individual with Joubert syndrome in a compound heterozygous state along with the c.5668G>T variant and published in literature [PMID: 35764379]. This variant has not been reported to the clinical databases like ClinVar, HGMD or OMIM, in any affected individuals. In-silico pathogenicity programs like SIFT4G, PolyPhen-2, MutationTaster2, CADD etc predicted this variant to be likely deleterious, however these predictions were not confirmed by published functional studies. This variant is present near the exon-intron splice junction (splice distance- 2 bp) and algorithms developed to predict the effect of sequence changes on RNA splicing suggest that this variant can disrupt the consensus splice site. The variant has been classified as Likely Pathogenic following the ACMG criteria PM2, PM3, PP3.

PreventionGenetics, part of Exact Sciences
Classification: Likely pathogenic for CEP290-related condition. Last evaluated: 2024-03-13. Review status: no assertion criteria provided. Collection method: clinical testing. Allele origin: germline. Not counted in ClinVar's aggregate classification.
Comment: The CEP290 c.104T>G variant is predicted to result in the amino acid substitution p.Val35Gly. This variant has been reported in the compound heterozygous state in an individual with probable Joubert syndrome who was identified via a reverse phenotyping project of patients with rare diseases and cancer (Research ID 51, Best et al. 2022. PubMed ID: 35764379). This variant has not been reported in a large population database, indicating this variant is rare. This variant is interpreted as likely pathogenic.

Literature cited by the submitters: PubMed 35764379 (cited by Diagnostics Services (NGS), CSIR - Centre For Cellular And Molecular Biology).

NM_025114.4(CEP290):c.104T>G (p.Val35Gly)

Gene: CEP290 (centrosomal protein 290; minus strand). Cytogenetic location: 12q21.32.
Variant type: single nucleotide variant.
Coding change: c.104T>G on transcript NM_025114.4 (MANE Select); coding-DNA position 104, T replaced by G.
Protein change: p.Val35Gly; replaces valine 35 with glycine.
Molecular consequence: missense variant.
Genome position (GRCh38, 1-based): chr12:88,141,032, A>C on the plus strand (T>G on the coding strand, the complement: CEP290 is on the minus strand). VCF-style: chr12-88141032-A-C. GRCh37 (hg19) VCF-style: chr12-88534809-A-C.
Other names: c.104T>G (NM_025114.3); short protein forms V35G.
Identifiers: ClinVar variation 2583177 (VCV002583177.4), dbSNP rs2501853647, ClinGen allele CA385990018.